The following is an entry in ClinVar:

ClinVar aggregate classification (germline): Pathogenic. Review status: criteria provided, single submitter (1 of 4 stars). 2 submissions from 2 submitters: Pathogenic (1). 1 of the submissions does not count toward it. Last evaluated 2023-06-09.

Conditions:
Junctional epidermolysis bullosa gravis of Herlitz. Also called: Herlitz-type junctional epidermolysis bullosa; EPIDERMOLYSIS BULLOSA, JUNCTIONAL 1B, SEVERE; Epidermolysis Bullosa Letalis; EPIDERMOLYSIS BULLOSA JUNCTIONALIS, HERLITZ TYPE; EPIDERMOLYSIS BULLOSA, JUNCTIONAL, HERLITZ-PEARSON TYPE; JEB-HERLITZ TYPE. Identifiers: Orphanet 79404, MedGen C0079683, MONDO:0009182, OMIM 226700.

Submissions (2):

Labcorp Genetics (formerly Invitae), Labcorp
Classification: Pathogenic. Last evaluated: 2023-06-09. Review status: criteria provided, single submitter. Criteria: Invitae Variant Classification Sherloc (09022015). Collection method: clinical testing. Allele origin: germline.
Comment: ClinVar contains an entry for this variant (Variation ID: 553294). This sequence change creates a premature translational stop signal (p.Leu839Argfs*14) in the LAMB3 gene. It is expected to result in an absent or disrupted protein product. Loss-of-function variants in LAMB3 are known to be pathogenic (PMID: 11023379, 16473856). This variant is not present in population databases (gnomAD no frequency). This variant has not been reported in the literature in individuals affected with LAMB3-related conditions. For these reasons, this variant has been classified as Pathogenic.

Counsyl
Classification: Likely pathogenic for Junctional epidermolysis bullosa gravis of Herlitz. Last evaluated: 2017-08-23. Review status: no assertion criteria provided. Collection method: clinical testing. Allele origin: unknown. Not counted in ClinVar's aggregate classification.

Literature cited by the submitters: PubMed 11023379 (cited by Labcorp Genetics (formerly Invitae), Labcorp); PubMed 16473856 (cited by Labcorp Genetics (formerly Invitae), Labcorp).

NM_000228.3(LAMB3):c.2516del (p.Leu839fs)

Gene: LAMB3 (laminin subunit beta 3; minus strand). Cytogenetic location: 1q32.2.
Variant type: Deletion.
Coding change: c.2516del on transcript NM_000228.3 (MANE Select); coding-DNA position 2516, one base deleted (T; older notation c.2516delT).
Protein change: p.Leu839fs; shifts the reading frame from leucine 839.
Molecular consequence: frameshift variant.
Genome position (GRCh38, 1-based): chr1:209,623,022, A deleted on the plus strand (T on the coding strand, the reverse complement: LAMB3 is on the minus strand). VCF-style (leftmost placement, unchanged base first): chr1-209623021-CA-C. GRCh37 (hg19) VCF-style: chr1-209796366-CA-C.
Other names: c.2516del, p.Leu839fs (NM_001017402.2, NM_001127641.1); short protein forms L839fs.
Identifiers: ClinVar variation 553294 (VCV000553294.5), dbSNP rs1553276216, ClinGen allele CA658822607.